The following is an entry in ClinVar:

NM_030930.4(UNC93B1):c.286G>C (p.Glu96Gln)

Genes: UNC93B1 (unc-93B1 regulator of TLR signaling; minus strand), LOC130006234 (ATAC-STARR-seq lymphoblastoid active region 5128; plus strand). Cytogenetic location: 11q13.2.
Variant type: single nucleotide variant.
Coding change: c.286G>C on transcript NM_030930.4 (MANE Select); coding-DNA position 286, G replaced by C.
Protein change: p.Glu96Gln; replaces glutamic acid 96 with glutamine.
Molecular consequence: missense variant.
Genome position (GRCh38, 1-based): chr11:68,003,128, C>G on the plus strand (G>C on the coding strand, the complement: UNC93B1 is on the minus strand). VCF-style: chr11-68003128-C-G. GRCh37 (hg19) VCF-style: chr11-67770598-C-G.
Other names: short protein forms E96Q.
Identifiers: ClinVar variation 1416313 (VCV001416313.6), dbSNP rs753436679, ClinGen allele CA6145691.

ClinVar aggregate classification (germline): Uncertain significance (1 of 4 stars; one submission).

Conditions:
Encephalopathy, acute, infection-induced (herpes-specific), susceptibility to, 1. Also called: Herpes simplex encephalitis, susceptibility to, 1. Identifiers: Orphanet 1930, MedGen C2750180, MONDO:0024563, OMIM 610551.

Allele frequency attached by ClinVar (database versions not stated): gnomAD exomes below 0.00001; ExAC 0.00001; gnomAD 0.00002; TOPMed 0.00001.
gnomAD v4.1: 14 of 1,613,386 alleles (0.00087%); highest among the groups gnomAD compares: African/African-American, 0.0013%; no homozygotes.

Submission:

Labcorp Genetics (formerly Invitae), Labcorp
Classification: Uncertain significance for Encephalopathy, acute, infection-induced (herpes-specific), susceptibility to, 1. Last evaluated: 2024-04-02. Review status: criteria provided, single submitter. Criteria: Invitae Variant Classification Sherloc (09022015). Collection method: clinical testing. Allele origin: germline.
Comment: This sequence change replaces glutamic acid, which is acidic and polar, with glutamine, which is neutral and polar, at codon 96 of the UNC93B1 protein (p.Glu96Gln). This variant is present in population databases (rs753436679, gnomAD 0.002%). This variant has not been reported in the literature in individuals affected with UNC93B1-related conditions. ClinVar contains an entry for this variant (Variation ID: 1416313). Experimental studies and prediction algorithms are not available or were not evaluated, and the functional significance of this variant is currently unknown. In summary, the available evidence is currently insufficient to determine the role of this variant in disease. Therefore, it has been classified as a Variant of Uncertain Significance.